The following is an entry in ClinVar:

NM_002755.4(MAP2K1):c.983_987del (p.Gly328fs)

Gene: MAP2K1 (mitogen-activated protein kinase kinase 1; plus strand). Cytogenetic location: 15q22.31.
Variant type: Deletion.
Coding change: c.983_987del on transcript NM_002755.4 (MANE Select); coding-DNA positions 983 to 987, 5 bases deleted (GAGTG; older notation c.983_987delGAGTG).
Protein change: p.Gly328fs; shifts the reading frame from glycine 328.
Molecular consequence: frameshift variant.
Genome position (GRCh38, 1-based): chr15:66,489,237-66,489,241, GAGTG deleted; deleting any 5 consecutive bases within chr15:66,489,233-66,489,241 gives the same sequence; the c. name uses the placement nearest the transcript's 3' end. VCF-style (leftmost placement, unchanged base first): chr15-66489232-CAGTGG-C. GRCh37 (hg19) VCF-style: chr15-66781570-CAGTGG-C.
Other names: c.839_843del, p.Gly280fs (NM_001411065.1); short protein forms G328fs, G280fs.
Identifiers: ClinVar variation 2908803 (VCV002908803.3), dbSNP rs2545106623, ClinGen allele CA2739269516.
Genomic context (GRCh38, chr15:66,489,232, plus strand): 5'-GCAAGGAGCCAGGCATTTTTCTTATCTCAACATGTGTTTGCAGCCTCCTCCAAAACTGCC[CAGTGG>C]AGTGTTCAGTCTGGAATTTCAAGATTTTGTGAATAAATGGTAAGTTGGCTCCTTGTTCTC-3'

ClinVar aggregate classification (germline): Uncertain significance (1 of 4 stars; one submission).

Conditions:
RASopathy. Also called: Noonan spectrum disorder; rasopathies. Identifiers: Orphanet 536391, MedGen C5555857, MONDO:0021060.

Submission:

Labcorp Genetics (formerly Invitae), Labcorp
Classification: Uncertain significance for RASopathy. Last evaluated: 2023-07-28. Review status: criteria provided, single submitter. Criteria: Invitae Variant Classification Sherloc (09022015). Collection method: clinical testing. Allele origin: germline.
Comment: In summary, the available evidence is currently insufficient to determine the role of this variant in disease. Therefore, it has been classified as a Variant of Uncertain Significance. Experimental studies and prediction algorithms are not available or were not evaluated, and the functional significance of this variant is currently unknown. This variant has not been reported in the literature in individuals affected with MAP2K1-related conditions. This variant is not present in population databases (gnomAD no frequency). This sequence change creates a premature translational stop signal (p.Gly328Valfs*11) in the MAP2K1 gene. It is expected to result in an absent or disrupted protein product. However, the current clinical and genetic evidence is not sufficient to establish whether loss-of-function variants in MAP2K1 cause disease.